The following is an entry in ClinVar:

NM_000492.3(CFTR):c.-146G>T

Genes: CFTR (CF transmembrane conductance regulator; plus strand), LOC111674463 (CFTR promoter region; plus strand). Cytogenetic location: 7q31.2.
Variant type: single nucleotide variant.
Coding change: c.-146G>T on transcript NM_000492.3; 146 bases upstream of the start codon, G replaced by T.
Genome position (GRCh38, 1-based): chr7:117,479,949, G>T. VCF-style: chr7-117479949-G-T. GRCh37 (hg19) VCF-style: chr7-117120003-G-T.
Identifiers: ClinVar variation 3076091 (VCV003076091.1), dbSNP rs2484928461, ClinGen allele CA2684616952.

ClinVar aggregate classification (germline): Uncertain significance (1 of 4 stars; one submission).

Conditions:
Cystic fibrosis (CF). Also called: MUCOVISCIDOSIS. Identifiers: Orphanet 586, MedGen C0010674, MONDO:0009061, OMIM 219700. Disease mechanism: loss of function.

Submission:

Ambry Genetics
Classification: Uncertain significance for Cystic fibrosis. Last evaluated: 2015-04-03. Review status: criteria provided, single submitter. Criteria: Ambry Variant Classification Scheme 2023. Collection method: clinical testing. Allele origin: germline.
Comment: The c.-146G>T alteration is located in the 5' untranslated region (5'UTR) of the CFTR gene. This alteration consists of a G to T substitution nucleotides upstream from the first translated codon. Based on insufficient or conflicting evidence, the clinical significance of this alteration remains unclear.